The following is an entry in ClinVar:

NM_004336.5(BUB1):c.1285A>G (p.Thr429Ala)

Gene: BUB1 (BUB1 mitotic checkpoint serine/threonine kinase; minus strand). Cytogenetic location: 2q13.
Variant type: single nucleotide variant.
Coding change: c.1285A>G on transcript NM_004336.5 (MANE Select); coding-DNA position 1285, A replaced by G.
Protein change: p.Thr429Ala; replaces threonine 429 with alanine.
Molecular consequence: missense variant.
Genome position (GRCh38, 1-based): chr2:110,658,734, T>C on the plus strand (A>G on the coding strand, the complement: BUB1 is on the minus strand). VCF-style: chr2-110658734-T-C. GRCh37 (hg19) VCF-style: chr2-111416311-T-C.
Other names: c.1225A>G, p.Thr409Ala (NM_001278616.2); c.1285A>G, p.Thr429Ala (NM_001278617.2); short protein forms T409A, T429A.
Identifiers: ClinVar variation 1768844 (VCV001768844.2), dbSNP rs2468010624, ClinGen allele CA348212883.

ClinVar aggregate classification (germline): Uncertain significance (1 of 4 stars; one submission).

Submission:

Ambry Genetics
Classification: Uncertain significance. Last evaluated: 2022-03-07. Review status: criteria provided, single submitter. Criteria: Ambry Variant Classification Scheme 2023. Collection method: clinical testing. Allele origin: germline.
Comment: The p.T429A variant (also known as c.1285A>G), located in coding exon 12 of the BUB1 gene, results from an A to G substitution at nucleotide position 1285. The threonine at codon 429 is replaced by alanine, an amino acid with similar properties. This amino acid position is conserved. In addition, this alteration is predicted to be tolerated by in silico analysis. Since supporting evidence is limited at this time, the clinical significance of this alteration remains unclear.